The following is an entry in ClinVar:

ClinVar aggregate classification (germline): Conflicting classifications of pathogenicity. Review status: criteria provided, conflicting classifications (1 of 4 stars). 7 submissions from 7 submitters: Uncertain significance (2); Benign (1); Likely benign (4). Last evaluated 2026-01-24.

Conditions:
Hereditary cancer-predisposing syndrome. Also called: Neoplastic Syndromes, Hereditary; Hereditary Cancer Syndrome; Tumor predisposition; Hereditary neoplastic syndrome. Identifiers: Orphanet 140162, MedGen C0027672, MeSH D009386, MONDO:0015356.
Tuberous sclerosis syndrome (TSC). Also called: Tuberous Sclerosis Complex; Tuberous sclerosis. Identifiers: Orphanet 805, MedGen C0041341, MONDO:0001734.
Tuberous sclerosis 2 (TSC2). Identifiers: Orphanet 805, MedGen C1860707, MONDO:0013199, OMIM 613254.

Allele frequency attached by ClinVar (database versions not stated): gnomAD exomes below 0.00001 and 0.00003; ExAC 0.00001; gnomAD 0.00001 and 0.00002; TOPMed 0.00001.
gnomAD v4.1: 39 of 1,613,182 alleles (0.0024%); highest among the groups gnomAD compares: Middle Eastern, 0.016%; no homozygotes.

Submissions (7):

Labcorp Genetics (formerly Invitae), Labcorp
Classification: Likely benign for Tuberous sclerosis 2. Last evaluated: 2026-01-24. Review status: criteria provided, single submitter. Criteria: Invitae Variant Classification Sherloc (09022015). Collection method: clinical testing. Allele origin: germline.

Myriad Genetics, Inc.
Classification: Likely benign for Tuberous sclerosis 2. Last evaluated: 2025-06-04. Review status: criteria provided, single submitter. Criteria: Myriad Autosomal Dominant, Autosomal Recessive and X-Linked Classification Criteria (2023). Collection method: clinical testing. Allele origin: unknown.
Comment: This variant is considered likely benign. This variant is intronic and is not expected to impact mRNA splicing.

Color Diagnostics, LLC DBA Color Health
Classification: Uncertain significance for Tuberous sclerosis syndrome. Last evaluated: 2024-07-24. Review status: criteria provided, single submitter. Criteria: ACMG Guidelines, 2015. Collection method: clinical testing. Allele origin: germline.
Comment: This variant causes a C to T nucleotide substitution at the +6 position of intron 35 of the TSC2 gene. Splice site prediction tools suggest that this variant may not impact RNA splicing. To our knowledge, functional studies have not been reported for this variant. This variant has not been reported in individuals affected with TSC2-related disorders in the literature. This variant has been identified in 1/250184 chromosomes in the general population by the Genome Aggregation Database (gnomAD). The available evidence is insufficient to determine the role of this variant in disease conclusively. Therefore, this variant is classified as a Variant of Uncertain Significance.

Blueprint Genetics
Classification: Likely benign. Last evaluated: 2022-02-09. Review status: criteria provided, single submitter. Criteria: ACMG Guidelines, 2015. Collection method: clinical testing. Allele origin: germline.

Genome-Nilou Lab
Classification: Benign for Tuberous sclerosis 2. Last evaluated: 2021-11-07. Review status: criteria provided, single submitter. Criteria: ACMG Guidelines, 2015. Collection method: clinical testing. Allele origin: germline. Affected: no.

Sema4
Classification: Uncertain significance for Hereditary cancer-predisposing syndrome. Last evaluated: 2021-07-01. Review status: criteria provided, single submitter. Criteria: Sema4 Curation Guidelines. Collection method: curation. Allele origin: germline.
Comment: The TSC2 c.4569+6C>T variant has not been reported in the literature to our knowledge. It was observed in 1/250184 chromosomes in the large and broad cohorts of the Genome Aggregation Database (PMID: 32461654). The variant has been reported in ClinVar (Variation ID 238054). In silico tools suggest that the variant does not have an impact on splicing, though these predictions have not been confirmed by functional studies. The evidence is insufficient to meet ACMG/AMP criteria for classifying the variant as benign or pathogenic. Thus, the clinical significance of this variant is currently uncertain.

GeneDx
Classification: Likely benign. Last evaluated: 2020-04-06. Review status: criteria provided, single submitter. Criteria: GeneDx Variant Classification Process June 2021. Collection method: clinical testing. Allele origin: germline. Affected: yes.

NM_000548.5(TSC2):c.4569+6C>T

Gene: TSC2 (TSC complex subunit 2; plus strand). Cytogenetic location: 16p13.3.
Variant type: single nucleotide variant.
Coding change: c.4569+6C>T on transcript NM_000548.5 (MANE Select); 6 bases into the intron after coding-DNA position 4569, C replaced by T.
Molecular consequence: intron variant.
Genome position (GRCh38, 1-based): chr16:2,085,032, C>T. VCF-style: chr16-2085032-C-T. GRCh37 (hg19) VCF-style: chr16-2135033-C-T.
Other names: c.4500+6C>T (NM_001114382.3); c.4440+6C>T (NM_021055.3, NM_001370405.1); c.4371+6C>T (NM_001363528.2); c.4437+6C>T (NM_001370404.1); c.4368+6C>T (NM_001077183.3); c.4260+6C>T (NM_001318827.2); c.3837+6C>T (NM_001318831.2); c.4224+6C>T (NM_001318829.2); and 1 more.
Identifiers: ClinVar variation 238054 (VCV000238054.20), dbSNP rs756614796, ClinGen allele CA051679.
Genomic context (GRCh38, chr16:2,085,032, plus strand): 5'-CCATTCCCCCTTCTTTGGCGACGAGTCAAACAAGCCAATCCTGCTGCCCAATGAGGTAGG[C>T]GTGGCCTCCCTCTCCTGCATCCGCTGGAGCTGTGTGGCTCGGGTGAATGGTGGGGGGCCC-3'